The following is an entry in ClinVar:

ClinVar aggregate classification (germline): Likely benign (1 of 4 stars; one submission).

Allele frequency attached by ClinVar (database versions not stated): gnomAD exomes 0.00003; gnomAD 0.00006.
gnomAD v4.1: 45 of 1,180,883 alleles (0.0038%); highest among the groups gnomAD compares: Non-Finnish European, 0.0048%; no homozygotes.

Submission:

CeGaT Center for Human Genetics Tuebingen
Classification: Likely benign. Last evaluated: 2022-04-01. Review status: criteria provided, single submitter. Criteria: CeGaT Center For Human Genetics Tuebingen Variant Classification Criteria Version 2. Collection method: clinical testing. Allele origin: germline. Affected: yes. Observed: 1 variant allele.
Comment: IRS4: BP4, BP7

NM_001379150.1(IRS4):c.3417G>T (p.Ala1139=)

Gene: IRS4 (insulin receptor substrate 4; minus strand). Cytogenetic location: Xq22.3.
Variant type: single nucleotide variant.
Coding change: c.3417G>T on transcript NM_001379150.1 (MANE Select); coding-DNA position 3417, G replaced by T.
Protein change: p.Ala1139=; no amino-acid change (alanine 1139 retained).
Molecular consequence: synonymous variant.
Genome position (GRCh38, 1-based): chrX:108,732,928, C>A on the plus strand (G>T on the coding strand, the complement: IRS4 is on the minus strand). VCF-style: chrX-108732928-C-A. GRCh37 (hg19) VCF-style: chrX-107976158-C-A.
Other names: c.3417G>T, p.Ala1139= (NM_003604.2).
Identifiers: ClinVar variation 2661172 (VCV002661172.24), dbSNP rs777547295, ClinGen allele CA10489537.
Genomic context (GRCh38, chrX:108,732,928, plus strand): 5'-AGAGGCGGAGTCAAATCCAGCAGCTGCGGCTGCTGCGCCGATGCCCGGGGCTGCGGCGAG[C>A]GCGGAGGCCGCAGCTACAACTTGGCTGAGGGCTAAAGTCGGCTCTGCAGCCGAAGCGACA-3'
Protein context (NP_001366079.1, residues 1129-1149): ALSQVVAAAS[Ala1139=]LAAAPGIGAA